The following is an entry in ClinVar:

ClinVar aggregate classification (germline): Uncertain significance (1 of 4 stars; one submission).

Allele frequency attached by ClinVar (database versions not stated): gnomAD 0.00001; TOPMed 0.00001; ExAC 0.00003.
gnomAD v4.1: 8 of 1,613,522 alleles (0.0005%); highest among the groups gnomAD compares: African/African-American, 0.004%; no homozygotes.

Submission:

Labcorp Genetics (formerly Invitae), Labcorp
Classification: Uncertain significance. Last evaluated: 2024-05-15. Review status: criteria provided, single submitter. Criteria: Invitae Variant Classification Sherloc (09022015). Collection method: clinical testing. Allele origin: germline.
Comment: This sequence change replaces arginine, which is basic and polar, with histidine, which is basic and polar, at codon 775 of the PDE2A protein (p.Arg775His). This variant is present in population databases (rs771749226, gnomAD 0.02%). This variant has not been reported in the literature in individuals affected with PDE2A-related conditions. ClinVar contains an entry for this variant (Variation ID: 1911121). An algorithm developed to predict the effect of missense changes on protein structure and function (PolyPhen-2) suggests that this variant is likely to be disruptive. In summary, the available evidence is currently insufficient to determine the role of this variant in disease. Therefore, it has been classified as a Variant of Uncertain Significance.

NM_002599.5(PDE2A):c.2324G>A (p.Arg775His)

Gene: PDE2A (phosphodiesterase 2A; minus strand). Cytogenetic location: 11q13.4.
Variant type: single nucleotide variant.
Coding change: c.2324G>A on transcript NM_002599.5 (MANE Select); coding-DNA position 2324, G replaced by A.
Protein change: p.Arg775His; replaces arginine 775 with histidine.
Molecular consequence: missense variant.
Genome position (GRCh38, 1-based): chr11:72,579,316, C>T on the plus strand (G>A on the coding strand, the complement: PDE2A is on the minus strand). VCF-style: chr11-72579316-C-T. GRCh37 (hg19) VCF-style: chr11-72290360-C-T.
Other names: c.2303G>A, p.Arg768His (NM_001143839.4); c.2297G>A, p.Arg766His (NM_001146209.3); c.2261G>A, p.Arg754His (NM_001243784.2); short protein forms R768H, R754H, R775H, R766H.
Identifiers: ClinVar variation 1911121 (VCV001911121.5), dbSNP rs771749226, ClinGen allele CA6171891.